The following is an entry in ClinVar:

ClinVar aggregate classification (germline): Uncertain significance (1 of 4 stars; one submission).

Submission:

GeneDx
Classification: Uncertain significance. Last evaluated: 2024-02-28. Review status: criteria provided, single submitter. Criteria: GeneDx Variant Classification Process June 2021. Collection method: clinical testing. Allele origin: germline. Affected: yes.
Comment: Not observed at significant frequency in large population cohorts (gnomAD); In silico analysis supports that this missense variant does not alter protein structure/function; Has not been previously published as pathogenic or benign to our knowledge

NM_017635.5(KMT5B):c.1372T>G (p.Cys458Gly)

Gene: KMT5B (lysine methyltransferase 5B; minus strand). Cytogenetic location: 11q13.2.
Variant type: single nucleotide variant.
Coding change: c.1372T>G on transcript NM_017635.5 (MANE Select); coding-DNA position 1372, T replaced by G.
Protein change: p.Cys458Gly; replaces cysteine 458 with glycine.
Molecular consequence: missense variant.
Genome position (GRCh38, 1-based): chr11:68,158,974, A>C on the plus strand (T>G on the coding strand, the complement: KMT5B is on the minus strand). VCF-style: chr11-68158974-A-C. GRCh37 (hg19) VCF-style: chr11-67926441-A-C.
Other names: c.856T>G, p.Cys286Gly (NM_001300907.1, NM_001369428.1, NM_001369429.1 and 4 more transcripts); c.652T>G, p.Cys218Gly (NM_001300908.2); c.1372T>G, p.Cys458Gly (NM_001369426.1); short protein forms C218G, C286G, C458G.
Identifiers: ClinVar variation 3369596 (VCV003369596.1).